The following is an entry in ClinVar:

ClinVar aggregate classification (germline): Uncertain significance (1 of 4 stars; one submission).

gnomAD v4.1: 143 of 1,567,524 alleles (0.0091%); highest among the groups gnomAD compares: Non-Finnish European, 0.011%; no homozygotes.

Submission:

GeneDx
Classification: Uncertain significance. Last evaluated: 2025-07-03. Review status: criteria provided, single submitter. Criteria: GeneDx Variant Classification Process June 2021. Collection method: clinical testing. Allele origin: germline.
Comment: In silico analysis supports that this missense variant has a deleterious effect on protein structure/function; Has not been previously published as pathogenic or benign to our knowledge

NM_001287491.2(TET3):c.5238G>C (p.Trp1746Cys)

Gene: TET3 (tet methylcytosine dioxygenase 3; plus strand). Cytogenetic location: 2p13.1.
Variant type: single nucleotide variant.
Coding change: c.5238G>C on transcript NM_001287491.2 (MANE Select); coding-DNA position 5238, G replaced by C.
Protein change: p.Trp1746Cys; replaces tryptophan 1746 with cysteine.
Molecular consequence: missense variant.
Genome position (GRCh38, 1-based): chr2:74,102,026, G>C. VCF-style: chr2-74102026-G-C. GRCh37 (hg19) VCF-style: chr2-74329153-G-C.
Other names: c.4959G>C, p.Trp1653Cys (NM_001366022.1); short protein forms W1653C, W1746C.
Identifiers: ClinVar variation 3900403 (VCV003900403.2).